The following is an entry in ClinVar:

NM_001164508.2(NEB):c.17734del (p.Gln5912fs)

Gene: NEB (nebulin; minus strand). Cytogenetic location: 2q23.3.
Variant type: Deletion.
Coding change: c.17734del on transcript NM_001164508.2 (MANE Select); coding-DNA position 17734, one base deleted (C; older notation c.17734delC).
Protein change: p.Gln5912fs; shifts the reading frame from glutamine 5912.
Molecular consequence: frameshift variant.
Genome position (GRCh38, 1-based): chr2:151,568,318, G deleted on the plus strand (C on the coding strand, the reverse complement: NEB is on the minus strand); the first of 2 consecutive G bases (chr2:151,568,318-151,568,319); deleting either gives the same sequence. VCF-style (leftmost placement, unchanged base first): chr2-151568317-TG-T. GRCh37 (hg19) VCF-style: chr2-152424831-TG-T.
Other names: c.17734del, p.Gln5912fs (NM_001164507.2, NM_001271208.2); c.12631del, p.Gln4211fs (NM_004543.5); short protein forms Q4211fs, Q5912fs.
Identifiers: ClinVar variation 956902 (VCV000956902.7), dbSNP rs2096501278, ClinGen allele CA1139657249.

ClinVar aggregate classification (germline): Pathogenic (1 of 4 stars; one submission).

Conditions:
Nemaline myopathy 2 (NEM2). Also called: Nemaline myopathy 2, autosomal recessive. Identifiers: MedGen C1850569, MONDO:0009725, OMIM 256030.

Submission:

Labcorp Genetics (formerly Invitae), Labcorp
Classification: Pathogenic for Nemaline myopathy 2. Last evaluated: 2022-02-05. Review status: criteria provided, single submitter. Criteria: Invitae Variant Classification Sherloc (09022015). Collection method: clinical testing. Allele origin: germline.
Comment: For these reasons, this variant has been classified as Pathogenic. ClinVar contains an entry for this variant (Variation ID: 956902). This variant has not been reported in the literature in individuals affected with NEB-related conditions. This variant is not present in population databases (gnomAD no frequency). This sequence change creates a premature translational stop signal (p.Gln5912Serfs*38) in the NEB gene. It is expected to result in an absent or disrupted protein product. Loss-of-function variants in NEB are known to be pathogenic (PMID: 25205138).

Literature cited by the submitters: PubMed 25205138.